The following is an entry in ClinVar:

NM_018489.3(ASH1L):c.5100C>T (p.Pro1700=)

Gene: ASH1L (ASH1 like histone lysine methyltransferase; minus strand). Cytogenetic location: 1q22.
Variant type: single nucleotide variant.
Coding change: c.5100C>T on transcript NM_018489.3 (MANE Select); coding-DNA position 5100, C replaced by T.
Protein change: p.Pro1700=; no amino-acid change (proline 1700 retained).
Molecular consequence: synonymous variant.
Genome position (GRCh38, 1-based): chr1:155,439,055, G>A on the plus strand (C>T on the coding strand, the complement: ASH1L is on the minus strand). VCF-style: chr1-155439055-G-A. GRCh37 (hg19) VCF-style: chr1-155408846-G-A.
Other names: c.5100C>T, p.Pro1700= (NM_001366177.2).
Identifiers: ClinVar variation 4533412 (VCV004533412.7).

ClinVar aggregate classification (germline): Likely benign. Review status: criteria provided, multiple submitters, no conflicts (2 of 4 stars). 2 submissions from 2 submitters: Likely benign (2). Last evaluated 2025-10-01.

Submissions (2):

CeGaT Center for Human Genetics Tuebingen
Classification: Likely benign. Last evaluated: 2025-10-01. Review status: criteria provided, single submitter. Criteria: CeGaT Center For Human Genetics Tuebingen Variant Classification Criteria Version 2. Collection method: clinical testing. Allele origin: germline. Affected: yes. Observed: 1 variant allele.
Comment: ASH1L: BP4, BP7

Blueprint Genetics
Classification: Likely benign. Last evaluated: 2024-09-06. Review status: criteria provided, single submitter. Criteria: ACMG Guidelines, 2015. Collection method: clinical testing. Allele origin: germline.